The following is an entry in ClinVar:

NM_000059.4(BRCA2):c.3235T>G (p.Ser1079Ala)

Gene: BRCA2 (BRCA2 DNA repair associated; plus strand). Cytogenetic location: 13q13.1.
Variant type: single nucleotide variant.
Coding change: c.3235T>G on transcript NM_000059.4 (MANE Select); coding-DNA position 3235, T replaced by G.
Protein change: p.Ser1079Ala; replaces serine 1079 with alanine.
Molecular consequence: missense variant.
Genome position (GRCh38, 1-based): chr13:32,337,590, T>G. VCF-style: chr13-32337590-T-G. GRCh37 (hg19) VCF-style: chr13-32911727-T-G.
Other names: short protein forms S1079A.
Identifiers: ClinVar variation 823249 (VCV000823249.10), dbSNP rs1593898984, ClinGen allele CA387775932.
Genomic context (GRCh38, chr13:32,337,590, plus strand): 5'-CTGAGCAAGCCTCAGTCAATTAATACTGTATCTGCACATTTACAGAGTAGTGTAGTTGTT[T>G]CTGATTGTAAAAATAGTCATATAACCCCTCAGATGTTATTTTCCAAGCAGGATTTTAATT-3'
Protein context (NP_000050.3, residues 1069-1089): SAHLQSSVVV[Ser1079Ala]DCKNSHITPQ

ClinVar aggregate classification (germline): Conflicting classifications of pathogenicity. Review status: criteria provided, conflicting classifications (1 of 4 stars). 3 submissions from 3 submitters: Uncertain significance (2); Likely benign (1). Last evaluated 2023-03-23.

Conditions:
Hereditary breast ovarian cancer syndrome. Also called: Hereditary breast and ovarian cancer; Breast and ovarian cancer; Hereditary breast and/or ovarian cancer syndrome; Hereditary breast and ovarian cancer syndrome; BRCA1- and BRCA2-Associated Hereditary Breast and Ovarian Cancer; Hereditary breast and ovarian cancer syndrome (HBOC). Identifiers: Orphanet 145, MedGen C0677776, MeSH D061325, MONDO:0003582. Disease mechanism: loss of function.
Hereditary cancer-predisposing syndrome. Also called: Tumor predisposition; Hereditary Cancer Syndrome; Neoplastic Syndromes, Hereditary; Hereditary neoplastic syndrome. Identifiers: Orphanet 140162, MedGen C0027672, MeSH D009386, MONDO:0015356.

gnomAD v4.1: 1 of 1,595,622 alleles (0.000063%); no homozygotes.

Submissions (3):

University of Washington Department of Laboratory Medicine, University of Washington
Classification: Likely benign for Hereditary cancer-predisposing syndrome. Last evaluated: 2023-03-23. Review status: criteria provided, single submitter. Criteria: Dines et al. (Genet Med. 2020). Collection method: curation. Allele origin: germline.
Comment: Missense variant in a coldspot region where missense variants are very unlikely to be pathogenic (PMID:31911673).

BRCA2 exon 11 coldspot. Reclassification based on statistical prior probability.

Ambry Genetics
Classification: Uncertain significance for Hereditary cancer-predisposing syndrome. Last evaluated: 2022-10-17. Review status: criteria provided, single submitter. Criteria: Ambry Variant Classification Scheme 2023. Collection method: clinical testing. Allele origin: germline.
Comment: The p.S1079A variant (also known as c.3235T>G), located in coding exon 10 of the BRCA2 gene, results from a T to G substitution at nucleotide position 3235. The serine at codon 1079 is replaced by alanine, an amino acid with similar properties. This amino acid position is not well conserved in available vertebrate species. In addition, this alteration is predicted to be tolerated by in silico analysis. Since supporting evidence is limited at this time, the clinical significance of this alteration remains unclear.

Labcorp Genetics (formerly Invitae), Labcorp
Classification: Uncertain significance for Hereditary breast ovarian cancer syndrome. Last evaluated: 2022-09-05. Review status: criteria provided, single submitter. Criteria: Invitae Variant Classification Sherloc (09022015). Collection method: clinical testing. Allele origin: germline.
Comment: This variant has not been reported in the literature in individuals affected with BRCA2-related conditions. ClinVar contains an entry for this variant (Variation ID: 823249). Advanced modeling of protein sequence and biophysical properties (such as structural, functional, and spatial information, amino acid conservation, physicochemical variation, residue mobility, and thermodynamic stability) performed at Invitae indicates that this missense variant is not expected to disrupt BRCA2 protein function. In summary, the available evidence is currently insufficient to determine the role of this variant in disease. Therefore, it has been classified as a Variant of Uncertain Significance. This variant is not present in population databases (gnomAD no frequency). This sequence change replaces serine, which is neutral and polar, with alanine, which is neutral and non-polar, at codon 1079 of the BRCA2 protein (p.Ser1079Ala).